The following is an entry in ClinVar:

NM_020937.4(FANCM):c.5513G>A (p.Arg1838Lys)

Gene: FANCM (FA complementation group M; plus strand). Cytogenetic location: 14q21.2.
Variant type: single nucleotide variant.
Coding change: c.5513G>A on transcript NM_020937.4 (MANE Select); coding-DNA position 5513, G replaced by A.
Protein change: p.Arg1838Lys; replaces arginine 1838 with lysine.
Molecular consequence: missense variant.
Genome position (GRCh38, 1-based): chr14:45,196,344, G>A. VCF-style: chr14-45196344-G-A. GRCh37 (hg19) VCF-style: chr14-45665547-G-A.
Other names: c.5435G>A, p.Arg1812Lys (NM_001308133.2); short protein forms R1838K, R1812K.
Identifiers: ClinVar variation 2872150 (VCV002872150.4), dbSNP rs2503269982, ClinGen allele CA389586015.
Genomic context (GRCh38, chr14:45,196,344, plus strand): 5'-CCTGTATTCTTGTAGGTGGTCATGAAATCACTTCTGGATTAGAAGTAATTTCTTCCCTAA[G>A]AGCAATTCATGGGTTGCAAGTAGAAGTTTGTCCTCTTAATGGCTGTGATTACATCGTGAG-3'
Protein context (NP_065988.1, residues 1828-1848): TSGLEVISSL[Arg1838Lys]AIHGLQVEVC

ClinVar aggregate classification (germline): Uncertain significance. Review status: criteria provided, multiple submitters, no conflicts (2 of 4 stars). 2 submissions from 2 submitters: Uncertain significance (2). Last evaluated 2025-04-10.

Conditions:
Inborn genetic diseases. Identifiers: MedGen C0950123, MeSH D030342.
Fanconi anemia (FA). Also called: Fanconi's anemia. Identifiers: Orphanet 84, MedGen C0015625, MeSH D005199, MONDO:0019391.

Allele frequency attached by ClinVar (database versions not stated): gnomAD exomes below 0.00001.
gnomAD v4.1: 2 of 1,614,002 alleles (0.00012%); highest among the groups gnomAD compares: Non-Finnish European, 0.00017%; no homozygotes.

Submissions (2):

Ambry Genetics
Classification: Uncertain significance for Inborn genetic diseases. Last evaluated: 2025-04-10. Review status: criteria provided, single submitter. Criteria: Ambry Variant Classification Scheme 2023. Collection method: clinical testing. Allele origin: germline.
Comment: The p.R1838K variant (also known as c.5513G>A), located in coding exon 21 of the FANCM gene, results from a G to A substitution at nucleotide position 5513. The arginine at codon 1838 is replaced by lysine, an amino acid with highly similar properties. This amino acid position is conserved. In addition, this alteration is predicted to be tolerated by in silico analysis. Based on the available evidence, the clinical significance of this variant remains unclear.

Labcorp Genetics (formerly Invitae), Labcorp
Classification: Uncertain significance for Fanconi anemia. Last evaluated: 2024-02-20. Review status: criteria provided, single submitter. Criteria: Invitae Variant Classification Sherloc (09022015). Collection method: clinical testing. Allele origin: germline.
Comment: This sequence change replaces arginine, which is basic and polar, with lysine, which is basic and polar, at codon 1838 of the FANCM protein (p.Arg1838Lys). This variant is not present in population databases (gnomAD no frequency). This variant has not been reported in the literature in individuals affected with FANCM-related conditions. An algorithm developed to predict the effect of missense changes on protein structure and function (PolyPhen-2) suggests that this variant is likely to be tolerated. In summary, the available evidence is currently insufficient to determine the role of this variant in disease. Therefore, it has been classified as a Variant of Uncertain Significance.